The following is an entry in ClinVar:

ClinVar aggregate classification (germline): Benign. Review status: criteria provided, multiple submitters, no conflicts (2 of 4 stars). 4 submissions from 4 submitters: Benign (4). Last evaluated 2026-02-03.

Conditions:
Spastic ataxia 2. Also called: Ataxia, spastic, 2, autosomal recessive. Identifiers: Orphanet 397946, MedGen C1969796, MONDO:0012651, OMIM 611302.

Allele frequency attached by ClinVar (database versions not stated): 1000 Genomes Project 30x 0.04575; 1000 Genomes Project 0.04712; TOPMed 0.06757; ESP Exome Variant Server 0.07750; gnomAD 0.07916 and 0.08025; ExAC 0.08377; gnomAD exomes 0.08518 and 0.10097.

Submissions (4):

Labcorp Genetics (formerly Invitae), Labcorp
Classification: Benign for Spastic ataxia 2. Last evaluated: 2026-02-03. Review status: criteria provided, single submitter. Criteria: Invitae Variant Classification Sherloc (09022015). Collection method: clinical testing. Allele origin: germline.

Mayo Clinic Laboratories, Mayo Clinic
Classification: Benign. Last evaluated: 2022-03-23. Review status: criteria provided, single submitter. Criteria: ACMG Guidelines, 2015. Collection method: clinical testing. Allele origin: germline. Observed: 83 variant alleles.

GeneDx
Classification: Benign. Last evaluated: 2016-03-11. Review status: criteria provided, single submitter. Criteria: GeneDx Variant Classification (06012015). Collection method: clinical testing. Allele origin: germline. Affected: yes.
Comment: This variant is considered likely benign or benign based on one or more of the following criteria: it is a conservative change, it occurs at a poorly conserved position in the protein, it is predicted to be benign by multiple in silico algorithms, and/or has population frequency not consistent with disease.

Breakthrough Genomics
Classification: Benign. Review status: criteria provided, single submitter. Criteria: ACMG Guidelines, 2015. Collection method: not provided. Allele origin: germline. Inheritance: Autosomal recessive inheritance. Affected: yes.

NM_006612.6(KIF1C):c.231T>C (p.Ile77=)

Gene: KIF1C (kinesin family member 1C; plus strand). Cytogenetic location: 17p13.2.
Variant type: single nucleotide variant.
Coding change: c.231T>C on transcript NM_006612.6 (MANE Select); coding-DNA position 231, T replaced by C.
Protein change: p.Ile77=; no amino-acid change (isoleucine 77 retained).
Molecular consequence: synonymous variant.
Genome position (GRCh38, 1-based): chr17:5,001,269, T>C. VCF-style: chr17-5001269-T-C. GRCh37 (hg19) VCF-style: chr17-4904564-T-C.
Other names: p.Ile77=.
Identifiers: ClinVar variation 380914 (VCV000380914.13), dbSNP rs17707385, ClinGen allele CA8318489.